The following is an entry in ClinVar:

ClinVar aggregate classification (germline): Uncertain significance. Review status: criteria provided, multiple submitters, no conflicts (2 of 4 stars). 2 submissions from 2 submitters: Uncertain significance (2). Last evaluated 2024-01-27.

Conditions:
Inborn genetic diseases. Identifiers: MedGen C0950123, MeSH D030342.

Submissions (2):

Labcorp Genetics (formerly Invitae), Labcorp
Classification: Uncertain significance. Last evaluated: 2024-01-27. Review status: criteria provided, single submitter. Criteria: Invitae Variant Classification Sherloc (09022015). Collection method: clinical testing. Allele origin: germline.
Comment: This sequence change replaces glycine, which is neutral and non-polar, with arginine, which is basic and polar, at codon 228 of the NEFH protein (p.Gly228Arg). This variant is not present in population databases (gnomAD no frequency). This variant has not been reported in the literature in individuals affected with NEFH-related conditions. ClinVar contains an entry for this variant (Variation ID: 2552748). Advanced modeling of protein sequence and biophysical properties (such as structural, functional, and spatial information, amino acid conservation, physicochemical variation, residue mobility, and thermodynamic stability) performed at Invitae indicates that this missense variant is not expected to disrupt NEFH protein function with a negative predictive value of 95%. In summary, the available evidence is currently insufficient to determine the role of this variant in disease. Therefore, it has been classified as a Variant of Uncertain Significance.

Ambry Genetics
Classification: Uncertain significance for Inborn genetic diseases. Last evaluated: 2023-05-30. Review status: criteria provided, single submitter. Criteria: Ambry Variant Classification Scheme 2023. Collection method: clinical testing. Allele origin: germline.

NM_021076.4(NEFH):c.682G>C (p.Gly228Arg)

Gene: NEFH (neurofilament heavy chain; plus strand). Cytogenetic location: 22q12.2.
Variant type: single nucleotide variant.
Coding change: c.682G>C on transcript NM_021076.4 (MANE Select); coding-DNA position 682, G replaced by C.
Protein change: p.Gly228Arg; replaces glycine 228 with arginine.
Molecular consequence: missense variant.
Genome position (GRCh38, 1-based): chr22:29,480,944, G>C. VCF-style: chr22-29480944-G-C. GRCh37 (hg19) VCF-style: chr22-29876933-G-C.
Other names: short protein forms G228R.
Identifiers: ClinVar variation 2552748 (VCV002552748.3), dbSNP rs2063002879, ClinGen allele CA411123637.